The following is an entry in ClinVar:

ClinVar aggregate classification (germline): Pathogenic. Review status: criteria provided, multiple submitters, no conflicts (2 of 4 stars). 5 submissions from 5 submitters: Pathogenic (4). 1 of the submissions does not count toward it. Last evaluated 2025-10-24.

Conditions:
CERKL-related disorder. Also called: CERKL-related condition.
CERKL-related disorders.
Retinal dystrophy. Also called: Inherited retinal dystrophy. Identifiers: Orphanet 71862, MedGen C0854723, MeSH D058499, MONDO:0019118, HP:0000556.
Retinitis pigmentosa 26 (RP26). Identifiers: Orphanet 791, MedGen C1842127, MONDO:0012024, OMIM 608380.

Allele frequency attached by ClinVar (database versions not stated): TOPMed 0.00001; gnomAD 0.00007 and 0.00008; gnomAD exomes 0.00013; ExAC 0.00016.
gnomAD v4.1: 95 of 1,596,256 alleles (0.006%); highest among the groups gnomAD compares: Non-Finnish European, 0.00077%; no homozygotes.

Submissions (5):

PreventionGenetics, part of Exact Sciences
Classification: Pathogenic for CERKL-related condition. Last evaluated: 2025-10-24. Review status: criteria provided, single submitter. Criteria: ACMG Guidelines, 2015. Collection method: clinical testing. Allele origin: germline.
Comment: The CERKL c.193G>T variant is predicted to result in premature protein termination (p.Glu65*). This variant has been reported in the apparently homozygous state or along with a second CERKL variant in individuals with retinal disease or retinitis pigmentosa (for example, Table S5, Ellingford et al. 2016. PubMed ID: 27208204; Table S1, Yohe et al. 2019. PubMed ID: 31816670; Table S1, Sather et al. 2023. PubMed ID: 37446072). This variant is reported in 0.12% of alleles in individuals of European (Finnish) descent in gnomAD. Nonsense variants in CERKL are expected to be pathogenic. This variant is interpreted as pathogenic.

Labcorp Genetics (formerly Invitae), Labcorp
Classification: Pathogenic. Last evaluated: 2025-03-18. Review status: criteria provided, single submitter. Criteria: Invitae Variant Classification Sherloc (09022015). Collection method: clinical testing. Allele origin: germline.
Comment: This sequence change creates a premature translational stop signal (p.Glu65*) in the CERKL gene. It is expected to result in an absent or disrupted protein product. Loss-of-function variants in CERKL are known to be pathogenic (PMID: 14681825, 23591405, 24043777). This variant is present in population databases (rs201186440, gnomAD 0.1%). This premature translational stop signal has been observed in individuals with clinical features of CERKL-related conditions (PMID: 27208204, 29068140). ClinVar contains an entry for this variant (Variation ID: 236492). For these reasons, this variant has been classified as Pathogenic.

Natera, Inc.
Classification: Pathogenic for Retinitis Pigmentosa 26. Last evaluated: 2025-01-27. Review status: criteria provided, single submitter. Criteria: Natera Variant Classification Schema (03/2026). Collection method: clinical testing. Allele origin: germline.
Comment: The c.193G>T variant in CERKL is a nonsense variant predicted to introduce a stop codon at amino acid 65. This variant is expected to result in nonsense mediated decay, truncation, or a dysfunctional protein product. This variant is rare in the general population with a frequency below the threshold expected for the associated phenotype(s). This variant has been observed in one or more individuals affected with the associated recessive disease, as either homozygous or compound heterozygous with a second variant (PMID: 29068140). Given the available evidence, this variant is classified as Pathogenic.

Blueprint Genetics
Classification: Pathogenic for CERKL-related disorders. Last evaluated: 2024-03-18. Review status: criteria provided, single submitter. Criteria: ACMG Guidelines, 2015. Collection method: clinical testing. Allele origin: germline. Affected: yes. Observed: 5 variant alleles.

Centre for Genomic Medicine, Manchester, Central Manchester University Hospitals
Classification: Likely pathogenic for Retinal dystrophy. Review status: no assertion criteria provided. Collection method: clinical testing. Allele origin: germline. Affected: yes. Not counted in ClinVar's aggregate classification.

Literature cited by the submitters: PubMed 14681825 (cited by Labcorp Genetics (formerly Invitae), Labcorp); PubMed 23591405 (cited by Labcorp Genetics (formerly Invitae), Labcorp); PubMed 24043777 (cited by Labcorp Genetics (formerly Invitae), Labcorp); PubMed 27208204 (cited by Labcorp Genetics (formerly Invitae), Labcorp); PubMed 29068140 (cited by Labcorp Genetics (formerly Invitae), Labcorp and Natera, Inc.).

NM_201548.5(CERKL):c.193G>T (p.Glu65Ter)

Genes: CERKL (CERK like autophagy regulator; minus strand), LOC129935214 (ATAC-STARR-seq lymphoblastoid silent region 12157; plus strand). Cytogenetic location: 2q31.3.
Variant type: single nucleotide variant.
Coding change: c.193G>T on transcript NM_201548.5 (MANE Select); coding-DNA position 193, G replaced by T.
Protein change: p.Glu65Ter; replaces glutamic acid 65 with a stop codon.
Molecular consequence: nonsense. On other transcripts: non-coding transcript variant (2).
Genome position (GRCh38, 1-based): chr2:181,656,814, C>A on the plus strand (G>T on the coding strand, the complement: CERKL is on the minus strand). VCF-style: chr2-181656814-C-A. GRCh37 (hg19) VCF-style: chr2-182521541-C-A.
Other names: c.193G>T, p.Glu65Ter (NM_001030311.3, NM_001030312.3, NM_001030313.3 and 1 more transcripts); short protein forms E65*.
Identifiers: ClinVar variation 236492 (VCV000236492.14), dbSNP rs201186440, ClinGen allele CA2010928.